The following is an entry in ClinVar:

ClinVar aggregate classification (germline): Uncertain significance (1 of 4 stars; one submission).

Conditions:
Werner syndrome (WRN). Identifiers: Orphanet 902, MedGen C0043119, MONDO:0010196, OMIM 277700.

Allele frequency attached by ClinVar (database versions not stated): TOPMed below 0.00001.
gnomAD v4.1: 1 of 1,614,056 alleles (0.000062%); highest among the groups gnomAD compares: Non-Finnish European, 0.000085%; no homozygotes.

Submission:

Labcorp Genetics (formerly Invitae), Labcorp
Classification: Uncertain significance for Werner syndrome. Last evaluated: 2025-12-01. Review status: criteria provided, single submitter. Criteria: Invitae Variant Classification Sherloc (09022015). Collection method: clinical testing. Allele origin: germline.
Comment: This sequence change replaces glutamine, which is neutral and polar, with arginine, which is basic and polar, at codon 329 of the WRN protein (p.Gln329Arg). This variant is not present in population databases (gnomAD no frequency). This variant has not been reported in the literature in individuals affected with WRN-related conditions. ClinVar contains an entry for this variant (Variation ID: 1001610). An algorithm developed to predict the effect of missense changes on protein structure and function outputs the following: PolyPhen-2: "Benign". The arginine amino acid residue is found in multiple mammalian species, which suggests that this missense change does not adversely affect protein function. In summary, the available evidence is currently insufficient to determine the role of this variant in disease. Therefore, it has been classified as a Variant of Uncertain Significance.

NM_000553.6(WRN):c.986A>G (p.Gln329Arg)

Gene: WRN (WRN RecQ like helicase; plus strand). Cytogenetic location: 8p12.
Variant type: single nucleotide variant.
Coding change: c.986A>G on transcript NM_000553.6 (MANE Select); coding-DNA position 986, A replaced by G.
Protein change: p.Gln329Arg; replaces glutamine 329 with arginine.
Molecular consequence: missense variant.
Genome position (GRCh38, 1-based): chr8:31,081,013, A>G. VCF-style: chr8-31081013-A-G. GRCh37 (hg19) VCF-style: chr8-30938529-A-G.
Other names: short protein forms Q329R.
Identifiers: ClinVar variation 1001610 (VCV001001610.2), dbSNP rs4987237, ClinGen allele CA174858502.
Genomic context (GRCh38, chr8:31,081,013, plus strand): 5'-TGAGGCCCAGCAATAATTTAAACTTATTATCCTTTGAAGATTCAACTACTGGGGGAGTAC[A>G]ACAGAAACAAATTAGAGAACATGAAGTTTTAATTCACGTTGAAGATGAAACATGGGACCC-3'
Protein context (NP_000544.2, residues 319-339): SFEDSTTGGV[Gln329Arg]QKQIREHEVL